The following is an entry in ClinVar:

ClinVar aggregate classification (germline): Likely pathogenic (1 of 4 stars; one submission).

Conditions:
Neurodevelopmental disorder with microcephaly, seizures, and cortical atrophy. Identifiers: MedGen C4540493, MONDO:0060621, OMIM 617802.

gnomAD v4.1: 2 of 1,613,896 alleles (0.00012%); highest among the groups gnomAD compares: Non-Finnish European, 0.00017%; no homozygotes.

Submission:

Women's Health and Genetics/Laboratory Corporation of America, LabCorp
Classification: Likely pathogenic for Neurodevelopmental disorder with microcephaly, seizures, and cortical atrophy. Last evaluated: 2024-05-28. Review status: criteria provided, single submitter. Criteria: LabCorp Variant Classification Summary - May 2015. Collection method: clinical testing. Allele origin: germline.
Comment: Variant summary: VARS1 c.787-2A>G is located in a canonical splice-site and is predicted to affect mRNA splicing resulting in a significantly altered protein due to either exon skipping, shortening, or inclusion of intronic material. Several computational tools predict a significant impact on normal splicing: Two predict the variant abolishes a canonical 3' acceptor site. Two predict the variant strengthens a cryptic 3' acceptor site. However, these predictions have yet to be confirmed by functional studies. The variant allele was found at a frequency of 1.2e-06 in 1613896 control chromosomes. To our knowledge, no occurrence of c.787-2A>G in individuals affected with Neurodevelopmental Disorder With Microcephaly, Seizures, And Cortical Atrophy and no experimental evidence demonstrating its impact on protein function have been reported. No submitters have cited clinical-significance assessments for this variant to ClinVar. Based on the evidence outlined above, the variant was classified as likely pathogenic.

NM_006295.3(VARS1):c.787-2A>G

Genes: VARS1 (valyl-tRNA synthetase 1; minus strand), LOC126859651 (CDK7 strongly-dependent group 2 enhancer GRCh37_chr6:31759783-31760982; plus strand). Cytogenetic location: 6p21.33.
Variant type: single nucleotide variant.
Coding change: c.787-2A>G on transcript NM_006295.3 (MANE Select); the canonical splice acceptor site of the intron before coding-DNA position 787, A replaced by G.
Molecular consequence: splice acceptor variant.
Genome position (GRCh38, 1-based): chr6:31,792,303, T>C on the plus strand (A>G on the coding strand, the complement: VARS1 is on the minus strand). VCF-style: chr6-31792303-T-C. GRCh37 (hg19) VCF-style: chr6-31760080-T-C.
Identifiers: ClinVar variation 3336351 (VCV003336351.1).
Genomic context (GRCh38, chr6:31,792,303, plus strand): 5'-AGGTCATAGGTAATGACCCCAGGATCCCGTTTCTCCCTCTTCTCTGGTTTTGGTTTCTTC[T>C]GCTTGGGAGGGAGAAGACATAGGCCCAGGCATCAGCCAACCCATCACCGCACACATCAAC-3'